The following is an entry in ClinVar:

ClinVar aggregate classification (germline): Uncertain significance (1 of 4 stars; one submission).

Submission:

Ambry Genetics
Classification: Uncertain significance. Last evaluated: 2022-01-13. Review status: criteria provided, single submitter. Criteria: Ambry Variant Classification Scheme 2023. Collection method: clinical testing. Allele origin: germline.
Comment: The c.815dupA variant, located in coding exon 8 of the KIF1B gene, results from a duplication of A at nucleotide position 815, causing a translational frameshift with a predicted alternate stop codon (p.N272Kfs*2). This alteration is expected to result in loss of function by premature protein truncation or nonsense-mediated mRNA decay. However, loss of function of KIF1B has not been clearly established as a mechanism of disease. Since supporting evidence is limited at this time, the clinical significance of this alteration remains unclear.

NM_001365951.3(KIF1B):c.815dup (p.Asn272fs)

Gene: KIF1B (kinesin family member 1B; plus strand). Cytogenetic location: 1p36.22.
Variant type: Duplication.
Coding change: c.815dup on transcript NM_001365951.3 (MANE Select); coding-DNA position 815, one base duplicated (A; older notation c.815dupA).
Protein change: p.Asn272fs; shifts the reading frame from asparagine 272.
Molecular consequence: frameshift variant.
Genome position (GRCh38, 1-based): chr1:10,272,257, A duplicated; the last of 2 consecutive A bases (chr1:10,272,256-10,272,257); duplicating either gives the same sequence. VCF-style (leftmost placement, unchanged base first): chr1-10272255-T-TA. GRCh37 (hg19) VCF-style: chr1-10332313-T-TA.
Other names: c.815dup, p.Asn272fs (NM_001365952.1, NM_001365953.1, NM_015074.3 and 1 more transcripts); c.815dupA (NM_015074.3); short protein forms N272fs.
Identifiers: ClinVar variation 1762215 (VCV001762215.2), dbSNP rs2521107103, ClinGen allele CA2580060659.
Genomic context (GRCh38, chr1:10,272,255, plus strand): 5'-TAGTAGAAATTCTTCATCATTCTTTCATATTTGGTATTTATTTTAGGAAGGAGCAAATAT[T>TA]AATAAGTCTCTTACAACTTTGGGCAAAGTCATTTCAGCCTTGGCCGAGGTGGTAAGTTTT-3'